The following is an entry in ClinVar:

NM_001371623.1(TCOF1):c.3918_3942del (p.Leu1307fs)

Gene: TCOF1 (treacle ribosome biogenesis factor 1; plus strand). Cytogenetic location: 5q32.
Variant type: Deletion.
Coding change: c.3918_3942del on transcript NM_001371623.1 (MANE Select); coding-DNA positions 3918 to 3942, 25 bases deleted (CCTGAATGAGGCCCAGGTGCAGGCC).
Protein change: p.Leu1307fs; shifts the reading frame from leucine 1307.
Molecular consequence: frameshift variant.
Genome position (GRCh38, 1-based): chr5:150,396,415-150,396,439, CCTGAATGAGGCCCAGGTGCAGGCC deleted; deleting any 25 consecutive bases within chr5:150,396,411-150,396,439 gives the same sequence; the c. name uses the placement nearest the transcript's 3' end. VCF-style (leftmost placement, unchanged base first): chr5-150396410-TGGCCCCTGAATGAGGCCCAGGTGCA-T. GRCh37 (hg19) VCF-style: chr5-149775973-TGGCCCCTGAATGAGGCCCAGGTGCA-T.
Other names: c.3684_3708del, p.Leu1229fs (NM_000356.4); c.3915_3939del, p.Leu1306fs (NM_001135243.2); c.3804_3828del, p.Leu1269fs (NM_001135244.2); c.3687_3711del, p.Leu1230fs (NM_001135245.2); c.3801_3825del, p.Leu1268fs (NM_001195141.2); short protein forms L1229fs, L1230fs, L1268fs, L1307fs, L1269fs, L1306fs.
Identifiers: ClinVar variation 2026769 (VCV002026769.4), dbSNP rs2534528339, ClinGen allele CA2580073896.

ClinVar aggregate classification (germline): Pathogenic (1 of 4 stars; one submission).

Conditions:
Treacher Collins syndrome 1 (TCS1). Also called: TCOF1-Related Treacher Collins Syndrome. Identifiers: Orphanet 861, MedGen CN315775, MONDO:0007944, OMIM 154500.

Submission:

Labcorp Genetics (formerly Invitae), Labcorp
Classification: Pathogenic for Treacher Collins syndrome 1. Last evaluated: 2022-08-24. Review status: criteria provided, single submitter. Criteria: Invitae Variant Classification Sherloc (09022015). Collection method: clinical testing. Allele origin: germline.
Comment: This sequence change creates a premature translational stop signal (p.Leu1306Glnfs*3) in the TCOF1 gene. It is expected to result in an absent or disrupted protein product. Loss-of-function variants in TCOF1 are known to be pathogenic (PMID: 8894686, 22317976). This variant is not present in population databases (gnomAD no frequency). This variant has not been reported in the literature in individuals affected with TCOF1-related conditions. For these reasons, this variant has been classified as Pathogenic.

Literature cited by the submitters: PubMed 8894686; PubMed 22317976.